The following is an entry in ClinVar:

ClinVar aggregate classification (germline): Uncertain significance. Review status: criteria provided, multiple submitters, no conflicts (2 of 4 stars). 4 submissions from 4 submitters: Uncertain significance (4). Last evaluated 2021-08-10.

Conditions:
Inborn genetic diseases. Identifiers: MedGen C0950123, MeSH D030342.

Allele frequency attached by ClinVar (database versions not stated): TOPMed below 0.00001; ExAC 0.00001; gnomAD 0.00001; gnomAD exomes 0.00001 and 0.00002.
gnomAD v4.1: 4 of 1,614,086 alleles (0.00025%); highest among the groups gnomAD compares: Non-Finnish European, 0.00034%; no homozygotes.

Submissions (4):

Ambry Genetics
Classification: Uncertain significance for Inborn genetic diseases. Last evaluated: 2021-08-10. Review status: criteria provided, single submitter. Criteria: Ambry Variant Classification Scheme 2023. Collection method: clinical testing. Allele origin: germline.

Athena Diagnostics
Classification: Uncertain significance. Last evaluated: 2020-01-21. Review status: criteria provided, single submitter. Criteria: Athena Diagnostics Criteria. Collection method: clinical testing. Allele origin: unknown.

Revvity Omics, Revvity
Classification: Uncertain significance. Last evaluated: 2019-04-18. Review status: criteria provided, single submitter. Criteria: ACMG Guidelines, 2015. Collection method: clinical testing. Allele origin: germline.

GeneDx
Classification: Uncertain significance. Last evaluated: 2019-02-13. Review status: criteria provided, single submitter. Criteria: GeneDx Variant Classification Process June 2021. Collection method: clinical testing. Allele origin: germline. Affected: yes.
Comment: Not observed at a significant frequency in large population cohorts (Lek et al., 2016); In silico analysis, which includes protein predictors and evolutionary conservation, supports a deleterious effect; Has not been previously published as pathogenic or benign to our knowledge

NM_182961.4(SYNE1):c.25489G>A (p.Ala8497Thr)

Gene: SYNE1 (spectrin repeat containing nuclear envelope protein 1; minus strand). Cytogenetic location: 6q25.2.
Variant type: single nucleotide variant.
Coding change: c.25489G>A on transcript NM_182961.4 (MANE Select); coding-DNA position 25489, G replaced by A.
Protein change: p.Ala8497Thr; replaces alanine 8497 with threonine.
Molecular consequence: missense variant.
Genome position (GRCh38, 1-based): chr6:152,136,788, C>T on the plus strand (G>A on the coding strand, the complement: SYNE1 is on the minus strand). VCF-style: chr6-152136788-C-T. GRCh37 (hg19) VCF-style: chr6-152457923-C-T.
Other names: c.2095G>A, p.Ala699Thr (NM_001347701.2); c.2023G>A, p.Ala675Thr (NM_001347702.2); c.25345G>A, p.Ala8449Thr (NM_033071.5); short protein forms A675T, A699T, A8449T, A8497T.
Identifiers: ClinVar variation 995004 (VCV000995004.7), dbSNP rs777390431, ClinGen allele CA4052810.
Genomic context (GRCh38, chr6:152,136,788, plus strand): 5'-TCTCCTTGCTGTCAGCCTGGGTGAACTCAGGGCTGCAGAGATTGATGGAGAGGATGATGG[C>T]TTTGCGGTGGTCCACAGCTTTCTGGAGCTCCTGAAAAGAACAAAAAAGACAATCAAACAA-3'
Protein context (NP_892006.3, residues 8487-8507): ELQKAVDHRK[Ala8497Thr]IILSINLCSP